The following is an entry in ClinVar:

NM_001365276.2(TNXB):c.4218C>G (p.Tyr1406Ter)

Gene: TNXB (tenascin XB; minus strand). Cytogenetic location: 6p21.33.
Variant type: single nucleotide variant.
Coding change: c.4218C>G on transcript NM_001365276.2 (MANE Select); coding-DNA position 4218, C replaced by G.
Protein change: p.Tyr1406Ter; replaces tyrosine 1406 with a stop codon.
Molecular consequence: nonsense.
Genome position (GRCh38, 1-based): chr6:32,079,190, G>C on the plus strand (C>G on the coding strand, the complement: TNXB is on the minus strand). VCF-style: chr6-32079190-G-C. GRCh37 (hg19) VCF-style: chr6-32046967-G-C.
Other names: c.4959C>G, p.Tyr1653Ter (NM_001428335.1); c.4218C>G, p.Tyr1406Ter (NM_019105.8); short protein forms Y1406*, Y1653*.
Identifiers: ClinVar variation 5015409 (VCV005015409.1).

ClinVar aggregate classification (germline): Pathogenic (1 of 4 stars; one submission).

Conditions:
Ehlers-Danlos syndrome due to tenascin-X deficiency (EDSCLL1). Also called: EDS DUE TO TNX DEFICIENCY; TNX DEFICIENCY; Ehlers-Danlos syndrome, classic-like, 1; EHLERS-DANLOS SYNDROME, CLASSIC-LIKE; TNXB-Related Classical-Like Ehlers-Danlos Syndrome. Identifiers: Orphanet 230839, MedGen C1848029, MONDO:0011670, OMIM 606408.

gnomAD v4.1: 1 of 1,613,888 alleles (0.000062%); highest among the groups gnomAD compares: Non-Finnish European, 0.000085%; no homozygotes.

Submission:

Myriad Genetics, Inc.
Classification: Pathogenic for Ehlers-Danlos syndrome due to tenascin-X deficiency. Last evaluated: 2026-01-12. Review status: criteria provided, single submitter. Criteria: Myriad Autosomal Dominant, Autosomal Recessive and X-Linked Classification Criteria (2023). Collection method: clinical testing. Allele origin: unknown.
Comment: NM_019105.6(TNXB):c.4218C>G(Y1406*) is expected to be pathogenic in the context of classical-like Ehlers-Danlos syndrome, TNXB-related. This variant is predicted to lead to an abnormal or absent protein product due to the creation of a premature termination codon in TNXB, a gene where loss-of-function variants are known to be pathogenic. Please note: this variant was assessed in the context of healthy population screening.